The following is an entry in ClinVar:

ClinVar aggregate classification (germline): Pathogenic/Likely pathogenic. Review status: criteria provided, multiple submitters, no conflicts (2 of 4 stars). 3 submissions from 3 submitters: Pathogenic (1); Likely pathogenic (2). Last evaluated 2025-12-30.

Conditions:
Hemochromatosis type 4 (HFE4). Also called: HEMOCHROMATOSIS DUE TO DEFECT IN FERROPORTIN; HEMOCHROMATOSIS, AUTOSOMAL DOMINANT; Ferroportin disease. Identifiers: Orphanet 139491, Orphanet 647834, Orphanet 648562, MedGen C1853733, MONDO:0011631, OMIM 606069.

Submissions (3):

Variantyx, Inc.
Classification: Likely pathogenic for Hemochromatosis type 4. Last evaluated: 2025-12-30. Review status: criteria provided, single submitter. Criteria: Variantyx Assertion Criteria 2022. Collection method: clinical testing. Allele origin: germline. Inheritance: Autosomal dominant inheritance. Affected: yes.
Comment: This is a nonsynonymous variant in the SLC40A1 gene (OMIM: 604653). Pathogenic variants in this gene have been associated with autosomal dominant hemochromatosis type 4. This alteration has been reported in ffected individuals (PMID: 16257244) (PS4_Moderate), adn it has been observed to segregate with disease in at least six individuals from one family (PMID: 16257244) (PP1_Moderate). An alternate amino acid change at this position (p.Arg88Gly) has been previously reported in similarly affected individuals, which suggests that this residue is biologically important (PMID: 24714983, 23943237, 21199650) (PM5), and multiple computational algorithms predict a deleterious effect for this variant (REVEL score: 0.963) (PP3). This variant is absent from control populations (PM2). Based on the current evidence, this variant is classified as likely pathogenic for autosomal dominant hemochromatosis type 4.

Labcorp Genetics (formerly Invitae), Labcorp
Classification: Pathogenic for Hemochromatosis type 4. Last evaluated: 2023-03-09. Review status: criteria provided, single submitter. Criteria: Invitae Variant Classification Sherloc (09022015). Collection method: clinical testing. Allele origin: germline.
Comment: This sequence change replaces arginine, which is basic and polar, with threonine, which is neutral and polar, at codon 88 of the SLC40A1 protein (p.Arg88Thr). This variant is not present in population databases (gnomAD no frequency). This missense change has been observed in individual(s) with hereditary hemochromatosis (PMID: 16257244). It has also been observed to segregate with disease in related individuals. ClinVar contains an entry for this variant (Variation ID: 381730). Advanced modeling of protein sequence and biophysical properties (such as structural, functional, and spatial information, amino acid conservation, physicochemical variation, residue mobility, and thermodynamic stability) performed at Invitae indicates that this missense variant is expected to disrupt SLC40A1 protein function. This variant disrupts the p.Arg88 amino acid residue in SLC40A1. Other variant(s) that disrupt this residue have been determined to be pathogenic (PMID: 21199650, 23943237, 24714983). This suggests that this residue is clinically significant, and that variants that disrupt this residue are likely to be disease-causing. For these reasons, this variant has been classified as Pathogenic.

GeneDx
Classification: Likely pathogenic. Last evaluated: 2018-01-24. Review status: criteria provided, single submitter. Criteria: GeneDx Variant Classification (06012015). Collection method: clinical testing. Allele origin: germline. Affected: yes.
Comment: The R88T variant in the SLC40A1 gene has been reported previously in multiple individuals from a single family with iron overload (Bach et al., 2006). The R88T variant is not observed in large population cohorts (Lek et al., 2016). The R88T variant is a semi-conservative amino acid substitution, which may impact secondary protein structure as these residues differ in some properties. In-silico analyses, including protein predictors and evolutionary conservation, support a deleterious effect. A different variant at the same residue (R88G) has also been reported in multiple individuals with elevated ferritin (Callebaut et al., 2014; Detivaud et al., 2013; Cunat et al., 2007), supporting the functional importance of this residue. We interpret R88T as a likely pathogenic variant.

Literature cited by the submitters: PubMed 16257244 (cited by Variantyx, Inc. and Labcorp Genetics (formerly Invitae), Labcorp); PubMed 24714983 (cited by Variantyx, Inc. and Labcorp Genetics (formerly Invitae), Labcorp); PubMed 23943237 (cited by Variantyx, Inc. and Labcorp Genetics (formerly Invitae), Labcorp); PubMed 21199650 (cited by Variantyx, Inc. and Labcorp Genetics (formerly Invitae), Labcorp).

NM_014585.6(SLC40A1):c.263G>C (p.Arg88Thr)

Gene: SLC40A1 (solute carrier family 40 member 1; minus strand). Cytogenetic location: 2q32.2.
Variant type: single nucleotide variant.
Coding change: c.263G>C on transcript NM_014585.6 (MANE Select); coding-DNA position 263, G replaced by C.
Protein change: p.Arg88Thr; replaces arginine 88 with threonine.
Molecular consequence: missense variant.
Genome position (GRCh38, 1-based): chr2:189,575,169, C>G on the plus strand (G>C on the coding strand, the complement: SLC40A1 is on the minus strand). VCF-style: chr2-189575169-C-G. GRCh37 (hg19) VCF-style: chr2-190439895-C-G.
Other names: short protein forms R88T.
Identifiers: ClinVar variation 381730 (VCV000381730.6), dbSNP rs1057521155, ClinGen allele CA16604003.